The following is an entry in ClinVar:

NM_001943.5(DSG2):c.112C>T (p.Leu38Phe)

Gene: DSG2 (desmoglein 2; plus strand). Cytogenetic location: 18q12.1.
Variant type: single nucleotide variant.
Coding change: c.112C>T on transcript NM_001943.5 (MANE Select); coding-DNA position 112, C replaced by T.
Protein change: p.Leu38Phe; replaces leucine 38 with phenylalanine.
Molecular consequence: missense variant.
Genome position (GRCh38, 1-based): chr18:31,519,833, C>T. VCF-style: chr18-31519833-C-T. GRCh37 (hg19) VCF-style: chr18-29099796-C-T.
Other names: short protein forms L38F.
Identifiers: ClinVar variation 3071492 (VCV003071492.2), dbSNP rs374079797, ClinGen allele CA041529.

ClinVar aggregate classification (germline): Uncertain significance. Review status: criteria provided, multiple submitters, no conflicts (2 of 4 stars). 2 submissions from 2 submitters: Uncertain significance (2). Last evaluated 2025-07-07.

Conditions:
Cardiomyopathy (CMYO). Also called: Cardiomyopathies. Identifiers: Orphanet 167848, MedGen C0878544, MONDO:0004994, HP:0001638. Inheritance: Various modes of inheritance.
Arrhythmogenic right ventricular cardiomyopathy (ARVD). Also called: Arrhythmogenic right ventricular dysplasia; Cardiomyopathy, ARVC; Arrhythmogenic cardiomyopathy; Arrhythmogenic Right Ventricular Cardiomyopathy (ARVC). Identifiers: Orphanet 247, MedGen C0349788, MeSH D019571, MONDO:0016587. Disease mechanism: loss of function. Inheritance: Various modes of inheritance.

Allele frequency attached by ClinVar (database versions not stated): ESP Exome Variant Server 0.00008; gnomAD exomes below 0.00001; ExAC 0.00001.

Submissions (2):

Color Diagnostics, LLC DBA Color Health
Classification: Uncertain significance for Cardiomyopathy. Last evaluated: 2025-07-07. Review status: criteria provided, single submitter. Criteria: ACMG Guidelines, 2015. Collection method: clinical testing. Allele origin: germline.
Comment: This missense variant replaces leucine with phenylalanine at codon 38 of the DSG2 protein. Computational prediction suggests that this variant may not impact protein structure and function. To our knowledge, functional studies have not been reported for this variant. This variant has not been reported in individuals affected with DSG2-related disorders in the literature. This variant has been identified in 1/249474 chromosomes in the general population by the Genome Aggregation Database (gnomAD). The available evidence is insufficient to determine the role of this variant in disease conclusively. Therefore, this variant is classified as a Variant of Uncertain Significance.

All of Us Research Program, National Institutes of Health
Classification: Uncertain significance for Arrhythmogenic right ventricular cardiomyopathy. Last evaluated: 2023-06-08. Review status: criteria provided, single submitter. Criteria: ACMG Guidelines, 2015. Collection method: clinical testing. Allele origin: germline. Inheritance: Autosomal dominant inheritance. Observed: 1 variant allele, 1 heterozygote.
Comment: This missense variant replaces leucine with phenylalanine at codon 38 of the DSG2 protein. Computational prediction suggests that this variant may not impact protein structure and function (internally defined REVEL score threshold <= 0.5, PMID: 27666373). To our knowledge, functional studies have not been reported for this variant. This variant has not been reported in individuals affected with DSG2-related disorders in the literature. This variant has been identified in 1/249474 chromosomes in the general population by the Genome Aggregation Database (gnomAD). The available evidence is insufficient to determine the role of this variant in disease conclusively. Therefore, this variant is classified as a Variant of Uncertain Significance.

This study involves interpretation of variants in research participants for the purpose of population health screening. Participant phenotype was not available at the time of variant classification. Additional details can be found in publication PMID: 35346344, PMCID: PMC8962531